The following is an entry in ClinVar:

NM_014425.5(INVS):c.1317C>A (p.Cys439Ter)

Gene: INVS (inversin; plus strand). Cytogenetic location: 9q31.1.
Variant type: single nucleotide variant.
Coding change: c.1317C>A on transcript NM_014425.5 (MANE Select); coding-DNA position 1317, C replaced by A.
Protein change: p.Cys439Ter; replaces cysteine 439 with a stop codon.
Molecular consequence: nonsense. On other transcripts: non-coding transcript variant (1).
Genome position (GRCh38, 1-based): chr9:100,252,989, C>A. VCF-style: chr9-100252989-C-A. GRCh37 (hg19) VCF-style: chr9-103015271-C-A.
Other names: c.1029C>A, p.Cys343Ter (NM_001318381.2); c.339C>A, p.Cys113Ter (NM_001318382.2); short protein forms C343*, C439*, C113*.
Identifiers: ClinVar variation 2857360 (VCV002857360.3), dbSNP rs886063266, ClinGen allele CA374364775.
Genomic context (GRCh38, chr9:100,252,989, plus strand): 5'-TGACCAAGATGGACATTCTCTTCTACATTGGGCAGCACTGGGAGGAAATGCTGATGTTTG[C>A]CAGATATTAATAGAAAATAAGATCAATCCAAATGTCCAGGATTATGCAGGAAGAACCCCT-3'

ClinVar aggregate classification (germline): Pathogenic (1 of 4 stars; one submission).

Conditions:
Nephronophthisis. Also called: Juvenile Nephronophthisis. Identifiers: Orphanet 655, MedGen C0687120, MONDO:0019005, HP:0000090.

Submission:

Labcorp Genetics (formerly Invitae), Labcorp
Classification: Pathogenic for Nephronophthisis. Last evaluated: 2023-04-18. Review status: criteria provided, single submitter. Criteria: Invitae Variant Classification Sherloc (09022015). Collection method: clinical testing. Allele origin: germline.
Comment: For these reasons, this variant has been classified as Pathogenic. This variant has not been reported in the literature in individuals affected with INVS-related conditions. This variant is not present in population databases (gnomAD no frequency). This sequence change creates a premature translational stop signal (p.Cys439*) in the INVS gene. It is expected to result in an absent or disrupted protein product. Loss-of-function variants in INVS are known to be pathogenic (PMID: 12872123).

Literature cited by the submitters: PubMed 12872123.